The following is an entry in ClinVar:

NM_000487.6(ARSA):c.1470C>G (p.Cys490Trp)

Gene: ARSA (arylsulfatase A; minus strand). Cytogenetic location: 22q13.33.
Variant type: single nucleotide variant.
Coding change: c.1470C>G on transcript NM_000487.6 (MANE Select); coding-DNA position 1470, C replaced by G.
Protein change: p.Cys490Trp; replaces cysteine 490 with tryptophan.
Molecular consequence: missense variant.
Genome position (GRCh38, 1-based): chr22:50,625,205, G>C on the plus strand (C>G on the coding strand, the complement: ARSA is on the minus strand). VCF-style: chr22-50625205-G-C. GRCh37 (hg19) VCF-style: chr22-51063633-G-C.
Other names: c.1470C>G, p.Cys490Trp (NM_001085426.3, NM_001085427.3, NM_001085425.3); c.1212C>G, p.Cys404Trp (NM_001085428.3, NM_001362782.2); short protein forms C490W, C404W.
Identifiers: ClinVar variation 3637802 (VCV003637802.2).

ClinVar aggregate classification (germline): Likely pathogenic (1 of 4 stars; one submission).

Conditions:
Metachromatic leukodystrophy (MLD). Also called: Cerebral sclerosis diffuse metachromatic form; Arylsulfatase A Deficiency; ARSA DEFICIENCY; CEREBROSIDE SULFATASE DEFICIENCY; METACHROMATIC LEUKOENCEPHALOPATHY; SULFATIDE LIPIDOSIS. Identifiers: Orphanet 512, MedGen C0023522, MONDO:0018868, OMIM 250100.

Submission:

Labcorp Genetics (formerly Invitae), Labcorp
Classification: Likely pathogenic for Metachromatic leukodystrophy. Last evaluated: 2024-03-06. Review status: criteria provided, single submitter. Criteria: Invitae Variant Classification Sherloc (09022015). Collection method: clinical testing. Allele origin: germline.
Comment: This sequence change replaces cysteine, which is neutral and slightly polar, with tryptophan, which is neutral and slightly polar, at codon 490 of the ARSA protein (p.Cys490Trp). This variant is not present in population databases (gnomAD no frequency). This variant has not been reported in the literature in individuals affected with ARSA-related conditions. Advanced modeling of protein sequence and biophysical properties (such as structural, functional, and spatial information, amino acid conservation, physicochemical variation, residue mobility, and thermodynamic stability) performed at Invitae indicates that this missense variant is expected to disrupt ARSA protein function with a positive predictive value of 95%. This variant disrupts the p.Cys490 amino acid residue in ARSA. Other variant(s) that disrupt this residue have been determined to be pathogenic (PMID: 12809637, 28762252, 31186049). This suggests that this residue is clinically significant, and that variants that disrupt this residue are likely to be disease-causing. In summary, the currently available evidence indicates that the variant is pathogenic, but additional data are needed to prove that conclusively. Therefore, this variant has been classified as Likely Pathogenic.

Literature cited by the submitters: PubMed 12809637; PubMed 28762252; PubMed 31186049.